The following is an entry in ClinVar:

ClinVar aggregate classification (germline): Likely pathogenic (1 of 4 stars; one submission).

Conditions:
CD36-related disorder. Also called: CD36-related condition; CD36-related disorders.

Submission:

PreventionGenetics, part of Exact Sciences
Classification: Likely pathogenic for CD36-related condition. Last evaluated: 2026-07-14. Review status: criteria provided, single submitter. Criteria: ACMG Guidelines, 2015. Collection method: clinical testing. Allele origin: germline.
Comment: The CD36 c.1125+1_1125+82del82 variant is predicted to result in a deletion affecting a canonical splice site. To our knowledge, this variant has not been reported in the literature or in a large population database (gnomAD), indicating this variant is rare. This variant is interpreted as likely pathogenic.

NM_001001548.3(CD36):c.1125+1_1125+82del

Gene: CD36 (CD36 molecule (CD36 blood group); plus strand). Cytogenetic location: 7q21.11.
Variant type: Deletion.
Coding change: c.1125+1_1125+82del on transcript NM_001001548.3 (MANE Select); the canonical splice donor site of the intron after coding-DNA position 1125 through 82 bases into the intron after coding-DNA position 1125, 82 bases deleted.
Molecular consequence: splice donor variant.
Genome position (GRCh38, 1-based): chr7:80,672,041-80,672,122, 82 bases deleted. GRCh37 (hg19): chr7:80,301,357-80,301,438.
Other names: c.1125+1_1125+82del (NM_001371075.1, NM_001001547.3, NM_001371074.1 and 5 more transcripts); c.660+1_660+82del (NM_001371081.1, NM_001371080.1); c.897+1_897+82del (NM_001289911.2); c.1023+1_1023+82del (NM_001371079.1); c.945+1_945+82del (NM_001289909.1); c.1008+1_1008+82del (NM_001289908.1).
Identifiers: ClinVar variation 4985665 (VCV004985665.1).